The following is an entry in ClinVar:

NM_001393504.1(MAST3):c.1353C>T (p.Ala451=)

Gene: MAST3 (microtubule associated serine/threonine kinase 3; plus strand). Cytogenetic location: 19p13.11.
Variant type: single nucleotide variant.
Coding change: c.1353C>T on transcript NM_001393504.1 (MANE Select); coding-DNA position 1353, C replaced by T.
Protein change: p.Ala451=; no amino-acid change (alanine 451 retained).
Molecular consequence: synonymous variant.
Genome position (GRCh38, 1-based): chr19:18,130,623, C>T. VCF-style: chr19-18130623-C-T. GRCh37 (hg19) VCF-style: chr19-18241433-C-T.
Other names: c.1266C>T (NM_015016.1); c.1377C>T, p.Ala459= (NM_001393501.1); c.1356C>T, p.Ala452= (NM_001393502.1); c.1353C>T, p.Ala451= (NM_001393503.1); c.1350C>T, p.Ala450= (NM_001393505.1); c.1305C>T, p.Ala435= (NM_001393506.1, NM_001393513.1); c.1332C>T, p.Ala444= (NM_001393507.1); c.1287C>T, p.Ala429= (NM_001393508.1, NM_001393516.1); and 5 more.
Identifiers: ClinVar variation 4872131 (VCV004872131.4).

ClinVar aggregate classification (germline): Likely benign. Review status: criteria provided, multiple submitters, no conflicts (2 of 4 stars). 3 submissions from 3 submitters: Likely benign (3). Last evaluated 2026-06-01.

Conditions:
MAST3-related disorder.

gnomAD v4.1: 507 of 1,613,966 alleles (0.031%); highest among the groups gnomAD compares: African/African-American, 0.61%; 3 homozygotes.

Submissions (3):

CeGaT Center for Human Genetics Tuebingen
Classification: Likely benign. Last evaluated: 2026-06-01. Review status: criteria provided, single submitter. Criteria: CeGaT Center For Human Genetics Tuebingen Variant Classification Criteria Version 2. Collection method: clinical testing. Allele origin: germline. Affected: yes. Observed: 1 variant allele.
Comment: MAST3: BP4, BP7, BS1

PreventionGenetics, part of Exact Sciences
Classification: Likely benign for MAST3-related condition. Last evaluated: 2024-11-09. Review status: criteria provided, single submitter. Criteria: ACMG Guidelines, 2015. Collection method: clinical testing. Allele origin: germline.
Comment: This variant is classified as likely benign based on ACMG/AMP sequence variant interpretation guidelines (Richards et al. 2015 PMID: 25741868, with internal and published modifications).

Blueprint Genetics
Classification: Likely benign. Last evaluated: 2024-07-19. Review status: criteria provided, single submitter. Criteria: ACMG Guidelines, 2015. Collection method: clinical testing. Allele origin: germline.